The following is an entry in ClinVar:

NM_001371333.1(DIABLO):c.48C>A (p.Phe16Leu)

Genes: DIABLO (diablo IAP-binding mitochondrial protein; minus strand), LOC130009040 (ATAC-STARR-seq lymphoblastoid active region 7211; plus strand). Cytogenetic location: 12q24.31.
Variant type: single nucleotide variant.
Coding change: c.48C>A on transcript NM_001371333.1 (MANE Select); coding-DNA position 48, C replaced by A.
Protein change: p.Phe16Leu; replaces phenylalanine 16 with leucine.
Molecular consequence: missense variant. On other transcripts: 5 prime UTR variant (3).
Genome position (GRCh38, 1-based): chr12:122,225,967, G>T on the plus strand (C>A on the coding strand, the complement: DIABLO is on the minus strand). VCF-style: chr12-122225967-G-T. GRCh37 (hg19) VCF-style: chr12-122710514-G-T.
Other names: c.-83C>A (NM_001278302.1, NM_138930.3); c.-39C>A (NM_001278303.1); c.48C>A, p.Phe16Leu (NM_001278342.1, NM_019887.6); short protein forms F16L.
Identifiers: ClinVar variation 1384532 (VCV001384532.7), dbSNP rs76582402, ClinGen allele CA6844090.

ClinVar aggregate classification (germline): Conflicting classifications of pathogenicity. Review status: criteria provided, conflicting classifications (1 of 4 stars). 2 submissions from 2 submitters: Uncertain significance (1); Likely benign (1). Last evaluated 2024-10-16.

Allele frequency attached by ClinVar (database versions not stated): TOPMed 0.00006; gnomAD 0.00007.
gnomAD v4.1: 117 of 1,596,404 alleles (0.0073%); highest among the groups gnomAD compares: Middle Eastern, 0.053%; no homozygotes.

Submissions (2):

Blueprint Genetics
Classification: Likely benign. Last evaluated: 2024-10-16. Review status: criteria provided, single submitter. Criteria: ACMG Guidelines, 2015. Collection method: clinical testing. Allele origin: germline.

Labcorp Genetics (formerly Invitae), Labcorp
Classification: Uncertain significance. Last evaluated: 2023-05-08. Review status: criteria provided, single submitter. Criteria: Invitae Variant Classification Sherloc (09022015). Collection method: clinical testing. Allele origin: germline.
Comment: This sequence change replaces phenylalanine, which is neutral and non-polar, with leucine, which is neutral and non-polar, at codon 16 of the DIABLO protein (p.Phe16Leu). This variant is present in population databases (rs76582402, gnomAD 0.01%). This variant has not been reported in the literature in individuals affected with DIABLO-related conditions. ClinVar contains an entry for this variant (Variation ID: 1384532). Algorithms developed to predict the effect of missense changes on protein structure and function output the following: SIFT: "Not Available"; PolyPhen-2: "Benign"; Align-GVGD: "Not Available". The leucine amino acid residue is found in multiple mammalian species, which suggests that this missense change does not adversely affect protein function. In summary, the available evidence is currently insufficient to determine the role of this variant in disease. Therefore, it has been classified as a Variant of Uncertain Significance.